The following is an entry in ClinVar:

NM_005909.5(MAP1B):c.1246G>A (p.Gly416Arg)

Gene: MAP1B (microtubule associated protein 1B; plus strand). Cytogenetic location: 5q13.2.
Variant type: single nucleotide variant.
Coding change: c.1246G>A on transcript NM_005909.5 (MANE Select); coding-DNA position 1246, G replaced by A.
Protein change: p.Gly416Arg; replaces glycine 416 with arginine.
Molecular consequence: missense variant.
Genome position (GRCh38, 1-based): chr5:72,194,601, G>A. VCF-style: chr5-72194601-G-A. GRCh37 (hg19) VCF-style: chr5-71490428-G-A.
Other names: c.868G>A, p.Gly290Arg (NM_001324255.2); short protein forms G290R, G416R.
Identifiers: ClinVar variation 5019220 (VCV005019220.2).

ClinVar aggregate classification (germline): Uncertain significance (1 of 4 stars; one submission).

Conditions:
Periventricular nodular heterotopia 9. Identifiers: MedGen C5394503, MONDO:0030061, OMIM 618918.
Hearing loss, autosomal dominant 83. Also called: Deafness, autosomal dominant 83. Identifiers: MedGen C5676951, MONDO:0030723, OMIM 619808.

Submission:

Juno Genomics, Hangzhou Juno Genomics, Inc
Classification: Uncertain significance for Hearing loss, autosomal dominant 83; Periventricular nodular heterotopia 9. Review status: criteria provided, single submitter. Criteria: ACMG Guidelines, 2015. Collection method: clinical testing. Allele origin: germline.
Comment: Absent from controls (or at extremely low frequency if recessive) in Genome Aggregation Database.;Missense variant in a gene that has a low rate of benign missense variation.